The following is an entry in ClinVar:

ClinVar aggregate classification (germline): Conflicting classifications of pathogenicity. Review status: criteria provided, conflicting classifications (1 of 4 stars). 4 submissions from 4 submitters: Uncertain significance (3); Likely benign (1). Last evaluated 2026-06-01.

Conditions:
Early-onset myopathy with fatal cardiomyopathy (CMYO5). Also called: Salih Myopathy; CONGENITAL MYOPATHY 5 WITH CARDIOMYOPATHY. Identifiers: Orphanet 289377, MedGen C2673677, MONDO:0012714, OMIM 611705. Disease mechanism: loss of function.
Autosomal recessive limb-girdle muscular dystrophy type 2J (LGMDR10). Also called: Limb-girdle muscular dystrophy, type 2J; MUSCULAR DYSTROPHY, LIMB-GIRDLE, AUTOSOMAL RECESSIVE 10. Identifiers: Orphanet 140922, MedGen C1837342, MONDO:0012127, OMIM 608807.
Myopathy, myofibrillar, 9, with early respiratory failure (MFM9). Also called: EDSTROM MYOPATHY; MYOPATHY, PROXIMAL, WITH EARLY RESPIRATORY MUSCLE INVOLVEMENT; Myopathy, distal, with early respiratory failure, autosomal dominant; Hereditary myopathy with early respiratory failure. Identifiers: Orphanet 178464, Orphanet 34521, MedGen C1863599, MONDO:0011362, OMIM 603689.
Dilated cardiomyopathy 1G (CMD1G). Identifiers: Orphanet 154, MedGen C1858763, MONDO:0011400, OMIM 604145.
Tibial muscular dystrophy (TMD). Also called: Tibial muscular dystrophy, tardive; UDD MYOPATHY; Udd Distal Myopathy – Tibial Muscular Dystrophy. Identifiers: Orphanet 609, MedGen C1838244, MONDO:0010870, OMIM 600334.
Hypertrophic cardiomyopathy 9. Also called: Familial hypertrophic cardiomyopathy 9. Identifiers: MedGen C1861065, MONDO:0013412, OMIM 613765.

Allele frequency attached by ClinVar (database versions not stated): gnomAD exomes below 0.00001; gnomAD 0.00001; TOPMed 0.00004.
gnomAD v4.1: 11 of 1,613,398 alleles (0.00068%); highest among the groups gnomAD compares: Admixed American, 0.0033%; no homozygotes.

Submissions (4):

CeGaT Center for Human Genetics Tuebingen
Classification: Uncertain significance. Last evaluated: 2026-06-01. Review status: criteria provided, single submitter. Criteria: CeGaT Center For Human Genetics Tuebingen Variant Classification Criteria Version 2. Collection method: clinical testing. Allele origin: germline. Affected: yes. Observed: 1 variant allele.
Comment: TTN: PM2

GeneDx
Classification: Uncertain significance. Last evaluated: 2026-01-07. Review status: criteria provided, single submitter. Criteria: GeneDx Variant Classification Process June 2021. Collection method: clinical testing. Allele origin: germline. Affected: yes.
Comment: Not observed at significant frequency in large population cohorts (gnomAD); Missense variant in a gene in which most reported pathogenic variants are truncating/loss of function; Has not been previously published as pathogenic or benign to our knowledge

Fulgent Genetics
Classification: Uncertain significance for Tibial muscular dystrophy; Myopathy, myofibrillar, 9, with early respiratory failure; Dilated cardiomyopathy 1G; Autosomal recessive limb-girdle muscular dystrophy type 2J; Early-onset myopathy with fatal cardiomyopathy; Hypertrophic cardiomyopathy 9. Last evaluated: 2021-09-28. Review status: criteria provided, single submitter. Criteria: ACMG Guidelines, 2015. Collection method: clinical testing. Allele origin: unknown.

Blueprint Genetics
Classification: Likely benign. Last evaluated: 2021-07-12. Review status: criteria provided, single submitter. Criteria: ACMG Guidelines, 2015. Collection method: clinical testing. Allele origin: germline.

NM_001267550.2(TTN):c.70391G>T (p.Gly23464Val)

Genes: TTN (titin; minus strand), TTN-AS1 (TTN antisense RNA 1; plus strand), LOC126806422 (BRD4-independent group 4 enhancer GRCh37_chr2:179440205-179441404; plus strand). Cytogenetic location: 2q31.2.
Variant type: single nucleotide variant.
Coding change: c.70391G>T on transcript NM_001267550.2 (MANE Select); coding-DNA position 70391, G replaced by T.
Protein change: p.Gly23464Val; replaces glycine 23464 with valine.
Molecular consequence: missense variant.
Genome position (GRCh38, 1-based): chr2:178,575,741, C>A on the plus strand (G>T on the coding strand, the complement: TTN is on the minus strand). VCF-style: chr2-178575741-C-A. GRCh37 (hg19) VCF-style: chr2-179440468-C-A.
Other names: p.G21823V:GGC>GTC; c.65468G>T, p.Gly21823Val (NM_001256850.1); c.43196G>T, p.Gly14399Val (NM_003319.4); c.62687G>T, p.Gly20896Val (NM_133378.4); c.43571G>T, p.Gly14524Val (NM_133432.3); c.43772G>T, p.Gly14591Val (NM_133437.4); c.70391G>T (NM_001267550.1); short protein forms G21823V, G23464V, G14399V, G14524V, G14591V, G20896V.
Identifiers: ClinVar variation 202825 (VCV000202825.7), dbSNP rs549938348, ClinGen allele CA310403.